The following is an entry in ClinVar:

NM_002230.4(JUP):c.1371C>T (p.Cys457=)

Gene: JUP (junction plakoglobin; minus strand). Cytogenetic location: 17q21.2.
Variant type: single nucleotide variant.
Coding change: c.1371C>T on transcript NM_002230.4 (MANE Select); coding-DNA position 1371, C replaced by T.
Protein change: p.Cys457=; no amino-acid change (cysteine 457 retained).
Molecular consequence: synonymous variant.
Genome position (GRCh38, 1-based): chr17:41,763,109, G>A on the plus strand (C>T on the coding strand, the complement: JUP is on the minus strand). VCF-style: chr17-41763109-G-A. GRCh37 (hg19) VCF-style: chr17-39919361-G-A.
Other names: c.1371C>T, p.Cys457= (NM_001352773.2, NM_001352774.2, NM_001352775.2 and 3 more transcripts).
Identifiers: ClinVar variation 379177 (VCV000379177.11), dbSNP rs531692563, ClinGen allele CA8565224.

ClinVar aggregate classification (germline): Likely benign. Review status: criteria provided, multiple submitters, no conflicts (2 of 4 stars). 3 submissions from 3 submitters: Likely benign (3). Last evaluated 2026-01-24.

Conditions:
Cardiovascular phenotype. Identifiers: MedGen CN230736.
Arrhythmogenic right ventricular dysplasia 12. Also called: ARRHYTHMOGENIC RIGHT VENTRICULAR DYSPLASIA, FAMILIAL, 12. Identifiers: MedGen C1969081, MONDO:0012684, OMIM 611528.
Naxos disease (NXD). Also called: WOOLLY HAIR, PALMOPLANTAR KERATODERMA, AND CARDIAC ABNORMALITIES; CARDIOMYOPATHY, ARRHYTHMOGENIC RIGHT VENTRICULAR, WITH SKIN, HAIR, AND NAIL ABNORMALITIES; PALMOPLANTAR KERATODERMA WITH ARRHYTHMOGENIC RIGHT VENTRICULAR CARDIOMYOPATHY AND WOOLLY HAIR; KERATOSIS PALMOPLANTARIS WITH ARRHYTHMOGENIC CARDIOMYOPATHY; MAL DE NAXOS. Identifiers: Orphanet 34217, MedGen C1832600, MONDO:0011017, OMIM 601214.

Allele frequency attached by ClinVar (database versions not stated): gnomAD 0.00004 and 0.00006; gnomAD exomes 0.00005 and 0.00009; TOPMed 0.00006; ExAC 0.00008.
gnomAD v4.1: 80 of 1,614,190 alleles (0.005%); highest among the groups gnomAD compares: South Asian, 0.048%; no homozygotes.

Submissions (3):

Labcorp Genetics (formerly Invitae), Labcorp
Classification: Likely benign for Arrhythmogenic right ventricular dysplasia 12; Naxos disease. Last evaluated: 2026-01-24. Review status: criteria provided, single submitter. Criteria: Invitae Variant Classification Sherloc (09022015). Collection method: clinical testing. Allele origin: germline.

Ambry Genetics
Classification: Likely benign for Cardiovascular phenotype. Last evaluated: 2019-08-10. Review status: criteria provided, single submitter. Criteria: Ambry Variant Classification Scheme 2023. Collection method: clinical testing. Allele origin: germline.

GeneDx
Classification: Likely benign. Last evaluated: 2016-11-07. Review status: criteria provided, single submitter. Criteria: GeneDx Variant Classification (06012015). Collection method: clinical testing. Allele origin: germline. Affected: yes.
Comment: This variant is considered likely benign or benign based on one or more of the following criteria: it is a conservative change, it occurs at a poorly conserved position in the protein, it is predicted to be benign by multiple in silico algorithms, and/or has population frequency not consistent with disease.